The following is an entry in ClinVar:

NM_000307.5(POU3F4):c.1014G>T (p.Pro338=)

Gene: POU3F4 (POU class 3 homeobox 4; plus strand). Cytogenetic location: Xq21.1.
Variant type: single nucleotide variant.
Coding change: c.1014G>T on transcript NM_000307.5 (MANE Select); coding-DNA position 1014, G replaced by T.
Protein change: p.Pro338=; no amino-acid change (proline 338 retained).
Molecular consequence: synonymous variant.
Genome position (GRCh38, 1-based): chrX:83,509,338, G>T. VCF-style: chrX-83509338-G-T. GRCh37 (hg19) VCF-style: chrX-82764346-G-T.
Identifiers: ClinVar variation 3612480 (VCV003612480.1).

ClinVar aggregate classification (germline): Uncertain significance (1 of 4 stars; one submission).

gnomAD v4.1: 74 of 1,208,697 alleles (0.0061%); highest among the groups gnomAD compares: Non-Finnish European, 0.0079%; no homozygotes.

Submission:

Labcorp Genetics (formerly Invitae), Labcorp
Classification: Uncertain significance. Last evaluated: 2024-04-13. Review status: criteria provided, single submitter. Criteria: Invitae Variant Classification Sherloc (09022015). Collection method: clinical testing. Allele origin: germline.
Comment: This sequence change affects codon 338 of the POU3F4 mRNA. It is a 'silent' change, meaning that it does not change the encoded amino acid sequence of the POU3F4 protein. The frequency data for this variant in the population databases is considered unreliable, as metrics indicate poor data quality at this position in the gnomAD database. This variant has not been reported in the literature in individuals affected with POU3F4-related conditions. In summary, the available evidence is currently insufficient to determine the role of this variant in disease. Therefore, it has been classified as a Variant of Uncertain Significance.